The following is an entry in ClinVar:

ClinVar aggregate classification (germline): Uncertain significance (1 of 4 stars; one submission).

Allele frequency attached by ClinVar (database versions not stated): ExAC 0.00001; gnomAD exomes below 0.00001.
gnomAD v4.1: 1 of 1,603,318 alleles (0.000062%); highest among the groups gnomAD compares: Non-Finnish European, 0.000085%; no homozygotes.

Submission:

Labcorp Genetics (formerly Invitae), Labcorp
Classification: Uncertain significance. Last evaluated: 2025-08-21. Review status: criteria provided, single submitter. Criteria: Invitae Variant Classification Sherloc (09022015). Collection method: clinical testing. Allele origin: germline.
Comment: This sequence change replaces valine, which is neutral and non-polar, with glycine, which is neutral and non-polar, at codon 748 of the POLR1A protein (p.Val748Gly). This variant is present in population databases (rs774779607, gnomAD 0.0009%). This variant has not been reported in the literature in individuals affected with POLR1A-related conditions. ClinVar contains an entry for this variant (Variation ID: 1971647). Invitae Evidence Modeling of protein sequence and biophysical properties (such as structural, functional, and spatial information, amino acid conservation, physicochemical variation, residue mobility, and thermodynamic stability) indicates that this missense variant is expected to disrupt POLR1A protein function with a positive predictive value of 80%. In summary, the available evidence is currently insufficient to determine the role of this variant in disease. Therefore, it has been classified as a Variant of Uncertain Significance.

NM_015425.6(POLR1A):c.2243T>G (p.Val748Gly)

Gene: POLR1A (RNA polymerase I subunit A; minus strand). Cytogenetic location: 2p11.2.
Variant type: single nucleotide variant.
Coding change: c.2243T>G on transcript NM_015425.6 (MANE Select); coding-DNA position 2243, T replaced by G.
Protein change: p.Val748Gly; replaces valine 748 with glycine.
Molecular consequence: missense variant.
Genome position (GRCh38, 1-based): chr2:86,052,966, A>C on the plus strand (T>G on the coding strand, the complement: POLR1A is on the minus strand). VCF-style: chr2-86052966-A-C. GRCh37 (hg19) VCF-style: chr2-86280089-A-C.
Other names: short protein forms V748G.
Identifiers: ClinVar variation 1971647 (VCV001971647.5), dbSNP rs774779607, ClinGen allele CA1746118.
Genomic context (GRCh38, chr2:86,052,966, plus strand): 5'-ATCTCATAGCAGCAGTGGACCAGGCCGTAGGCGGAGCTCCCATAGTGCGCCTTGTCCAGC[A>C]CTCCGCAGAGCAGCTCCCCTTCCCTGATGATCACCTGCAGAGGGCAAGGCCACCAATGCC-3'
Protein context (NP_056240.2, residues 738-758): IIREGELLCG[Val748Gly]LDKAHYGSSA